The following is an entry in ClinVar:

NM_000051.4(ATM):c.104G>A (p.Arg35Gln)

Gene: ATM (ATM serine/threonine kinase; plus strand). Cytogenetic location: 11q22.3.
Variant type: single nucleotide variant.
Coding change: c.104G>A on transcript NM_000051.4 (MANE Select); coding-DNA position 104, G replaced by A.
Protein change: p.Arg35Gln; replaces arginine 35 with glutamine.
Molecular consequence: missense variant.
Genome position (GRCh38, 1-based): chr11:108,227,807, G>A. VCF-style: chr11-108227807-G-A. GRCh37 (hg19) VCF-style: chr11-108098534-G-A.
Other names: c.104G>A, p.Arg35Gln (NM_001351834.2, NM_001351835.2, NM_001351836.2); short protein forms R35Q.
Identifiers: ClinVar variation 231729 (VCV000231729.28), dbSNP rs876659324, ClinGen allele CA10578942.

ClinVar aggregate classification (germline): Conflicting classifications of pathogenicity. Review status: criteria provided, conflicting classifications (1 of 4 stars). 8 submissions from 8 submitters: Uncertain significance (6); Likely benign (1). 1 of the submissions does not count toward it. Last evaluated 2025-12-16.

Conditions:
Hereditary cancer-predisposing syndrome. Also called: Hereditary Cancer Syndrome; Neoplastic Syndromes, Hereditary; Tumor predisposition; Hereditary neoplastic syndrome. Identifiers: Orphanet 140162, MedGen C0027672, MeSH D009386, MONDO:0015356.
Familial cancer of breast. Also called: Hereditary breast cancer; hereditary breast carcinoma; BREAST CANCER, FAMILIAL. Identifiers: Orphanet 227535, MedGen C0346153, MONDO:0016419, OMIM 114480. Disease mechanism: loss of function.
Ataxia-telangiectasia syndrome (AT). Also called: Ataxia telangiectasia (A-T); Ataxia-telangiectasia, complementation group E; LOUIS-BAR SYNDROME; Cerebello-oculocutaneous telangiectasia; Immunodeficiency with ataxia telangiectasia; Ataxia-telangiectasia, complementation group D. Identifiers: Orphanet 100, MedGen C0004135, MONDO:0008840, OMIM 208900.

Allele frequency attached by ClinVar (database versions not stated): gnomAD exomes below 0.00001; TOPMed below 0.00001; gnomAD 0.00001.
gnomAD v4.1: 3 of 1,613,354 alleles (0.00019%); highest among the groups gnomAD compares: Admixed American, 0.0017%; no homozygotes.

Submissions (8):

Labcorp Genetics (formerly Invitae), Labcorp
Classification: Uncertain significance for Ataxia-telangiectasia syndrome. Last evaluated: 2025-12-16. Review status: criteria provided, single submitter. Criteria: Invitae Variant Classification Sherloc (09022015). Collection method: clinical testing. Allele origin: germline.
Comment: This sequence change replaces arginine, which is basic and polar, with glutamine, which is neutral and polar, at codon 35 of the ATM protein (p.Arg35Gln). This variant is not present in population databases (gnomAD no frequency). This variant has not been reported in the literature in individuals affected with ATM-related conditions. ClinVar contains an entry for this variant (Variation ID: 231729). Invitae Evidence Modeling of protein sequence and biophysical properties (such as structural, functional, and spatial information, amino acid conservation, physicochemical variation, residue mobility, and thermodynamic stability) indicates that this missense variant is not expected to disrupt ATM protein function with a negative predictive value of 95%. In summary, the available evidence is currently insufficient to determine the role of this variant in disease. Therefore, it has been classified as a Variant of Uncertain Significance.

Ambry Genetics
Classification: Likely benign for Hereditary cancer-predisposing syndrome. Last evaluated: 2025-09-06. Review status: criteria provided, single submitter. Criteria: Ambry Variant Classification Scheme 2023. Collection method: clinical testing. Allele origin: germline.

Quest Diagnostics Nichols Institute San Juan Capistrano
Classification: Uncertain significance. Last evaluated: 2024-02-06. Review status: criteria provided, single submitter. Criteria: Quest Diagnostics criteria. Collection method: clinical testing. Allele origin: unknown.

GeneDx
Classification: Uncertain significance. Last evaluated: 2024-01-10. Review status: criteria provided, single submitter. Criteria: GeneDx Variant Classification Process June 2021. Collection method: clinical testing. Allele origin: germline. Affected: yes.
Comment: Not observed at significant frequency in large population cohorts (gnomAD); In silico analysis supports that this missense variant does not alter protein structure/function; Observed in an individual with a family history of breast cancer and colorectal cancer (PMID: 35534704); This variant is associated with the following publications: (PMID: 35534704)

Baylor Genetics
Classification: Uncertain significance for Familial cancer of breast. Last evaluated: 2023-09-12. Review status: criteria provided, single submitter. Criteria: ACMG Guidelines, 2015. Collection method: clinical testing. Allele origin: unknown.

Color Diagnostics, LLC DBA Color Health
Classification: Uncertain significance for Hereditary cancer-predisposing syndrome. Last evaluated: 2023-03-28. Review status: criteria provided, single submitter. Criteria: ACMG Guidelines, 2015. Collection method: clinical testing. Allele origin: germline.
Comment: This missense variant replaces arginine with glutamine at codon 35 of the ATM protein. Computational prediction suggests that this variant may not impact protein structure and function (internally defined REVEL score threshold <= 0.5, PMID: 27666373). To our knowledge, functional studies have not been reported for this variant. This variant has been reported in an individual affected with breast cancer (PMID: 33471991). This variant has not been identified in the general population by the Genome Aggregation Database (gnomAD). The available evidence is insufficient to determine the role of this variant in disease conclusively. Therefore, this variant is classified as a Variant of Uncertain Significance.

Mendelics
Classification: Uncertain significance for Ataxia-telangiectasia syndrome. Last evaluated: 2019-05-28. Review status: criteria provided, single submitter. Criteria: Mendelics Assertion Criteria 2017. Collection method: clinical testing. Allele origin: unknown.

Natera, Inc.
Classification: Uncertain significance for Ataxia-telangiectasia. Last evaluated: 2021-03-12. Review status: no assertion criteria provided. Collection method: clinical testing. Allele origin: germline. Not counted in ClinVar's aggregate classification.

Literature cited by the submitters: PubMed 35534704 (cited by Quest Diagnostics Nichols Institute San Juan Capistrano); PubMed 33471991 (cited by Quest Diagnostics Nichols Institute San Juan Capistrano and Color Diagnostics, LLC DBA Color Health).